The following is an entry in ClinVar:

NM_020937.4(FANCM):c.864G>A (p.Lys288=)

Gene: FANCM (FA complementation group M; plus strand). Cytogenetic location: 14q21.2.
Variant type: single nucleotide variant.
Coding change: c.864G>A on transcript NM_020937.4 (MANE Select); coding-DNA position 864, G replaced by A.
Protein change: p.Lys288=; no amino-acid change (lysine 288 retained).
Molecular consequence: synonymous variant.
Genome position (GRCh38, 1-based): chr14:45,148,941, G>A. VCF-style: chr14-45148941-G-A. GRCh37 (hg19) VCF-style: chr14-45618144-G-A.
Other names: c.786G>A, p.Lys262= (NM_001308133.2); c.864G>A, p.Lys288= (NM_001308134.2).
Identifiers: ClinVar variation 4533140 (VCV004533140.1).

ClinVar aggregate classification (germline): Uncertain significance (1 of 4 stars; one submission).

Submission:

Quest Diagnostics Nichols Institute San Juan Capistrano
Classification: Uncertain significance. Last evaluated: 2025-03-28. Review status: criteria provided, single submitter. Criteria: Quest Diagnostics criteria. Collection method: clinical testing. Allele origin: unknown.
Comment: The FANCM c.864G>A (p.Lys288=) synonymous variant has not been reported in individuals with FANCM-related conditions in the published literature. It also has not been reported in large, multi-ethnic general populations (Genome Aggregation Database). Analysis of this variant using software algorithms for the prediction of the effect of nucleotide changes on splicing yielded predictions that this variant does not affect FANCM mRNA splicing. Based on the available information, we are unable to determine the clinical significance of this variant.